The following is an entry in ClinVar:

NM_001034853.2(RPGR):c.3104_3105del (p.Glu1035fs)

Gene: RPGR (retinitis pigmentosa GTPase regulator; minus strand). Cytogenetic location: Xp11.4.
Variant type: Microsatellite.
Coding change: c.3104_3105del on transcript NM_001034853.2 (MANE Select); coding-DNA positions 3104 to 3105, 2 bases deleted (AG; older notation c.3104_3105delAG).
Protein change: p.Glu1035fs; shifts the reading frame from glutamic acid 1035.
Molecular consequence: frameshift variant. On other transcripts: intron variant (8).
Genome position (GRCh38, 1-based): chrX:38,285,894-38,285,895, CT deleted on the plus strand (AG on the coding strand, the reverse complement: RPGR is on the minus strand); deleting any 2 consecutive bases within chrX:38,285,894-38,285,898 gives the same sequence; the c. name uses the placement nearest the transcript's 3' end. VCF-style (leftmost placement, unchanged base first): chrX-38285893-CCT-C. GRCh37 (hg19) VCF-style: chrX-38145146-CCT-C.
Other names: NM_001034853.2(RPGR):c.3104_3105del; p.Glu1035fs; c.1569+5064_1569+5065del (NM_001367249.1, NM_001367250.1); c.1902+1199_1902+1200del (NM_001367245.1); c.1386+5064_1386+5065del (NM_001367251.1); c.1719+1199_1719+1200del (NM_001367246.1); c.1572+5064_1572+5065del (NM_001367247.1); c.1905+1199_1905+1200del (NM_000328.3); and 1 more; short protein forms E1035fs.
Identifiers: ClinVar variation 803964 (VCV000803964.22), dbSNP rs1601917999, ClinGen allele CA915950961.

ClinVar aggregate classification (germline): Pathogenic. Review status: reviewed by expert panel (3 of 4 stars). 7 submissions from 6 submitters: Pathogenic (1). 6 of the submissions do not count toward it. Last evaluated 2025-09-06.

Conditions:
RPGR-related retinopathy. Also called: RPGR retinopathy. Identifiers: MedGen CN305589, MONDO:0100437.
Retinal dystrophy. Also called: Inherited retinal dystrophy. Identifiers: Orphanet 71862, MedGen C0854723, MeSH D058499, MONDO:0019118, HP:0000556.
Primary ciliary dyskinesia. Also called: Ciliary dyskinesia. Identifiers: Orphanet 244, MedGen C0008780, MONDO:0016575, HP:0012265.
Retinitis pigmentosa (RP). Identifiers: Orphanet 791, MedGen C0035334, MeSH D012174, MONDO:0019200, OMIM 268000. Inheritance: Autosomal dominant, autosomal recessive and X linked inheritance.
Retinitis pigmentosa 3. Also called: CHOROIDORETINAL DEGENERATION WITH RETINAL REFLEX IN HETEROZYGOUS WOMEN. Identifiers: Orphanet 791, MedGen C1845667, MONDO:0010227, OMIM 300029.

Submissions (7):

ClinGen X-linked Inherited Retinal Disease Variant Curation Expert Panel, ClinGen
Classification: Pathogenic for RPGR-related retinopathy. Last evaluated: 2025-09-06. Review status: reviewed by expert panel. Criteria: ClinGen X LinkedIRD ACMG Specifications RPGR V1.0.0. Collection method: curation. Allele origin: germline. Inheritance: X-linked inheritance.
Comment: NM_001034853.2(RPGR):c.3104_3105del (p.Glu1035GlyfsTer?) is a frameshift variant due to a 2-nucleotide deletion introducing a premature stop codon within exon 15 of 15, which is predicted to disrupt a critical C-terminal region required for proper glutamylation of RPGR (PVS1, PMID: 36445968). This variant is absent from gnomAD v4.1.0 (PM2_Supporting). This variant has been reported in at least 2 apparently unrelated probands meeting one of the PS4 requirements of a male with some functional vision impairment by age 30 years and/or decreased or absent electroretinogram responses, or a female with functional visual abnormality and documentation of a male relative affected with retinitis pigmentosa (PMIDs: 35806195, 28863407, PS4_Supporting). At least one proband harboring this variant exhibits a phenotype including a family history consistent with X-linked inheritance (2 pts), childhood-onset (1 pt), myopia (0.5 pts), visual field constriction (0.5 pts), and genotyping by whole exome sequencing with a panel of 238 genes that did not identify an alternative basis for retinal disease (2 pts), which together are specific for RPGR-related retinopathy (6 points, 31645972, PP4). In summary, this variant is classified as pathogenic for RPGR-related retinopathy based on the ClinGen X-linked Inherited Retinal Disease Expert Panel Specifications to the ACMG/AMP Variant Interpretation Guidelines for RPGR Version 1.0.0; PVS1, PM2_Supporting, PS4_Supporting, and PP4.

Labcorp Genetics (formerly Invitae), Labcorp
Classification: Pathogenic for Primary ciliary dyskinesia. Last evaluated: 2023-12-14. Review status: criteria provided, single submitter. Criteria: Invitae Variant Classification Sherloc (09022015). Collection method: clinical testing. Allele origin: germline. Not counted in ClinVar's aggregate classification.
Comment: This sequence change creates a premature translational stop signal (p.Glu1035Glyfs*43) in the RPGR (ORF15) gene. While this is not anticipated to result in nonsense mediated decay, it is expected to disrupt the last 118 amino acid(s) of the RPGR (ORF15) protein. This variant is not present in population databases (gnomAD no frequency). This premature translational stop signal has been observed in individual(s) with clinical features of retinitis pigmentosa (PMID: 31645972). ClinVar contains an entry for this variant (Variation ID: 803964). This variant disrupts a region of the RPGR (ORF15) protein in which other variant(s) (p.Leu1130Lysfs*13) have been determined to be pathogenic (PMID: 22264887; Invitae). This suggests that this is a clinically significant region of the protein, and that variants that disrupt it are likely to be disease-causing. For these reasons, this variant has been classified as Pathogenic.

Molecular Genetics Laboratory, Institute for Ophthalmic Research
Classification: Pathogenic for Retinitis pigmentosa. Last evaluated: 2020-01-09. Review status: criteria provided, single submitter. Criteria: ACMG Guidelines, 2015. Collection method: research. Allele origin: germline. Affected: yes. Not counted in ClinVar's aggregate classification.

Mendelics
Classification: Pathogenic for Retinitis pigmentosa. Last evaluated: 2019-05-28. Review status: criteria provided, single submitter. Criteria: Mendelics Assertion Criteria 2017. Collection method: clinical testing. Allele origin: unknown. Not counted in ClinVar's aggregate classification.

Blueprint Genetics
Classification: Likely pathogenic for Retinal dystrophy. Last evaluated: 2018-09-10. Review status: criteria provided, single submitter. Criteria: Blueprint Genetics Variant Classification Scheme. Collection method: clinical testing. Allele origin: germline. Affected: yes. Not counted in ClinVar's aggregate classification.

Institute of Human Genetics, Univ. Regensburg, Univ. Regensburg
Classification: Pathogenic for Retinal dystrophy. Last evaluated: 2012-01-01. Review status: criteria provided, single submitter. Criteria: ACMG Guidelines, 2015. Collection method: clinical testing. Allele origin: germline. Affected: yes. Not counted in ClinVar's aggregate classification.

Blueprint Genetics
Classification: Likely pathogenic for Retinitis pigmentosa 3. Review status: no assertion criteria provided. Collection method: clinical testing. Allele origin: germline. Affected: yes. Not counted in ClinVar's aggregate classification.

Literature cited by the submitters: PubMed 31645972 (cited by Labcorp Genetics (formerly Invitae), Labcorp and Institute of Human Genetics, Univ. Regensburg, Univ. Regensburg); PubMed 22264887 (cited by Labcorp Genetics (formerly Invitae), Labcorp); PubMed 28863407 (cited by Institute of Human Genetics, Univ. Regensburg, Univ. Regensburg); PubMed 32531858 (cited by Institute of Human Genetics, Univ. Regensburg, Univ. Regensburg); PubMed 35806195 (cited by Institute of Human Genetics, Univ. Regensburg, Univ. Regensburg); PubMed 34985506 (cited by Institute of Human Genetics, Univ. Regensburg, Univ. Regensburg).